The following is an entry in ClinVar:

ClinVar aggregate classification (germline): Likely benign. Review status: criteria provided, multiple submitters, no conflicts (2 of 4 stars). 5 submissions from 4 submitters: Likely benign (5). Last evaluated 2025-11-13.

Conditions:
Developmental and epileptic encephalopathy, 14 (DEE14). Also called: Early infantile epileptic encephalopathy 14. Identifiers: Orphanet 293181, MedGen C3554195, MONDO:0013989, OMIM 614959.
Autosomal dominant nocturnal frontal lobe epilepsy 5. Also called: KCNT1-Related Epilepsy; CILIARY DYSKINESIA, PRIMARY, 28, WITHOUT SITUS INVERSUS; CILIARY DYSKINESIA, PRIMARY, 28, WITH SITUS INVERSUS; Epilepsy, nocturnal frontal lobe, 5. Identifiers: Orphanet 98784, MedGen C3554306, MONDO:0014002, OMIM 615005.

Allele frequency attached by ClinVar (database versions not stated): gnomAD 0.00007; ESP Exome Variant Server 0.00008; TOPMed 0.00014.
gnomAD v4.1: 152 of 1,606,466 alleles (0.0095%); highest among the groups gnomAD compares: Non-Finnish European, 0.011%; no homozygotes.

Submissions (5):

Labcorp Genetics (formerly Invitae), Labcorp
Classification: Likely benign for Autosomal dominant nocturnal frontal lobe epilepsy 5; Developmental and epileptic encephalopathy, 14. Last evaluated: 2025-11-13. Review status: criteria provided, single submitter. Criteria: Invitae Variant Classification Sherloc (09022015). Collection method: clinical testing. Allele origin: germline.

Genome-Nilou Lab
Classification: Likely benign for Developmental and epileptic encephalopathy, 14. Last evaluated: 2022-03-15. Review status: criteria provided, single submitter. Criteria: ACMG Guidelines, 2015. Collection method: clinical testing. Allele origin: germline. Affected: no.

Genome-Nilou Lab
Classification: Likely benign for Autosomal dominant nocturnal frontal lobe epilepsy 5. Last evaluated: 2022-03-15. Review status: criteria provided, single submitter. Criteria: ACMG Guidelines, 2015. Collection method: clinical testing. Allele origin: germline. Affected: no.

CeGaT Center for Human Genetics Tuebingen
Classification: Likely benign. Last evaluated: 2021-02-01. Review status: criteria provided, single submitter. Criteria: CeGaT Center For Human Genetics Tuebingen Variant Classification Criteria Version 2. Collection method: clinical testing. Allele origin: germline. Affected: yes. Observed: 2 variant alleles.

GeneDx
Classification: Likely benign. Last evaluated: 2018-03-16. Review status: criteria provided, single submitter. Criteria: GeneDx Variant Classification (06012015). Collection method: clinical testing. Allele origin: germline. Affected: yes.
Comment: This variant is considered likely benign or benign based on one or more of the following criteria: it is a conservative change, it occurs at a poorly conserved position in the protein, it is predicted to be benign by multiple in silico algorithms, and/or has population frequency not consistent with disease.

NM_020822.3(KCNT1):c.1769+8C>T

Gene: KCNT1 (potassium sodium-activated channel subfamily T member 1; plus strand). Cytogenetic location: 9q34.3.
Variant type: single nucleotide variant.
Coding change: c.1769+8C>T on transcript NM_020822.3 (MANE Select); 8 bases into the intron after coding-DNA position 1769, C replaced by T.
Molecular consequence: intron variant.
Genome position (GRCh38, 1-based): chr9:135,770,455, C>T. VCF-style: chr9-135770455-C-T. GRCh37 (hg19) VCF-style: chr9-138662301-C-T.
Other names: c.1634+8C>T (NM_001272003.2).
Identifiers: ClinVar variation 473362 (VCV000473362.49), dbSNP rs371287985, ClinGen allele CA5327051.